The following is an entry in ClinVar:

ClinVar aggregate classification (germline): Uncertain significance. Review status: criteria provided, multiple submitters, no conflicts (2 of 4 stars). 10 submissions from 10 submitters: Uncertain significance (10). Last evaluated 2026-02-11.

Conditions:
Hereditary cancer-predisposing syndrome. Also called: Tumor predisposition; Hereditary Cancer Syndrome; Neoplastic Syndromes, Hereditary; Hereditary neoplastic syndrome. Identifiers: Orphanet 140162, MedGen C0027672, MeSH D009386, MONDO:0015356.
Aplastic anemia. Identifiers: Orphanet 182040, Orphanet 88, MedGen C0002874, MONDO:0015909, OMIM 609135, HP:0001915.
Microcephaly, normal intelligence and immunodeficiency (NBS). Also called: BERLIN BREAKAGE SYNDROME; Nijmegen breakage syndrome; Microcephaly with normal intelligence immunodeficiency and lymphoreticular malignancies; Nonsyndromal microcephaly autosomal recessive with normal intelligence; Seemanova syndrome 2; Ataxia telangiectasia variant V1. Identifiers: Orphanet 647, MedGen C0398791, MONDO:0009623, OMIM 251260.

Allele frequency attached by ClinVar (database versions not stated): ExAC 0.00001; gnomAD exomes 0.00002; 1000 Genomes Project 30x 0.00016; 1000 Genomes Project 0.00020; gnomAD 0.00003 and 0.00004.
gnomAD v4.1: 36 of 1,587,740 alleles (0.0023%); highest among the groups gnomAD compares: South Asian, 0.012%; no homozygotes.

Submissions (10):

St. Jude Molecular Pathology, St. Jude Children's Research Hospital
Classification: Uncertain significance for Microcephaly, normal intelligence and immunodeficiency. Last evaluated: 2026-02-11. Review status: criteria provided, single submitter. Criteria: St. Jude Assertion Criteria 2020. Collection method: clinical testing. Allele origin: germline.
Comment: The NBN c.2060A>C p.(Lys687Thr) missense change has a maximum non-founder subpopulation frequency of 0.003% in gnomAD v2.1.1. The in silico tool REVEL predicts a benign effect on protein function, but to our knowledge this prediction has not been confirmed by functional studies. To our knowledge, this variant has not been reported in individuals with Nijmegen breakage syndrome. In summary, the evidence currently available is insufficient to determine the clinical significance of this variant. It has therefore been classified as of uncertain significance.

GeneDx
Classification: Uncertain significance. Last evaluated: 2025-05-18. Review status: criteria provided, single submitter. Criteria: GeneDx Variant Classification Process June 2021. Collection method: clinical testing. Allele origin: germline. Affected: yes.
Comment: In silico analysis supports that this missense variant has a deleterious effect on protein structure/function; This variant is associated with the following publications: (PMID: 24894818, 29470806, 35264596, 38136308)

Labcorp Genetics (formerly Invitae), Labcorp
Classification: Uncertain significance for Microcephaly, normal intelligence and immunodeficiency. Last evaluated: 2025-01-27. Review status: criteria provided, single submitter. Criteria: Invitae Variant Classification Sherloc (09022015). Collection method: clinical testing. Allele origin: germline.
Comment: This sequence change replaces lysine, which is basic and polar, with threonine, which is neutral and polar, at codon 687 of the NBN protein (p.Lys687Thr). This variant is present in population databases (rs186371605, gnomAD 0.02%). This missense change has been observed in individual(s) with breast and/or ovarian cancer (PMID: 29470806, 35264596). ClinVar contains an entry for this variant (Variation ID: 490052). An algorithm developed to predict the effect of missense changes on protein structure and function (PolyPhen-2) suggests that this variant is likely to be tolerated. In summary, the available evidence is currently insufficient to determine the role of this variant in disease. Therefore, it has been classified as a Variant of Uncertain Significance.

Women's Health and Genetics/Laboratory Corporation of America, LabCorp
Classification: Uncertain significance. Last evaluated: 2024-11-01. Review status: criteria provided, single submitter. Criteria: LabCorp Variant Classification Summary - May 2015. Collection method: clinical testing. Allele origin: germline.
Comment: Variant summary: NBN c.2060A>C (p.Lys687Thr) results in a non-conservative amino acid change located in the Nibrin, C-terminal domain (IPR013908) of the encoded protein sequence. Three of five in-silico tools predict a damaging effect of the variant on protein function. The variant allele was found at a frequency of 1.6e-05 in 250596 control chromosomes (gnomAD). The available data on variant occurrences in the general population are insufficient to allow any conclusion about variant significance. c.2060A>C has been reported in the literature in individuals affected with breast and/or ovarian cancer (e.g. Singh_2018, Guindalini_2022). These reports do not provide unequivocal conclusions about association of the variant with Hereditary Breast And Ovarian Cancer Syndrome. To our knowledge, no experimental evidence demonstrating an impact on protein function has been reported. The following publications have been ascertained in the context of this evaluation (PMID: 29470806, 35264596). ClinVar contains an entry for this variant (Variation ID: 490052). Based on the evidence outlined above, the variant was classified as uncertain significance.

Baylor Genetics
Classification: Uncertain significance for Aplastic anemia. Last evaluated: 2024-03-17. Review status: criteria provided, single submitter. Criteria: ACMG Guidelines, 2015. Collection method: clinical testing. Allele origin: unknown.

Ambry Genetics
Classification: Uncertain significance for Hereditary cancer-predisposing syndrome. Last evaluated: 2022-08-26. Review status: criteria provided, single submitter. Criteria: Ambry Variant Classification Scheme 2023. Collection method: clinical testing. Allele origin: germline.
Comment: The p.K687T variant (also known as c.2060A>C), located in coding exon 13 of the NBN gene, results from an A to C substitution at nucleotide position 2060. The lysine at codon 687 is replaced by threonine, an amino acid with similar properties. This variant was observed in a study of 1010 unrelated Indian patients with breast and/or ovarian cancer (Singh J et al. Breast Cancer Res. Treat., 2018 Jul;170:189-196). This amino acid position is well conserved in available vertebrate species. In addition, this alteration is predicted to be tolerated by in silico analysis. Since supporting evidence is limited at this time, the clinical significance of this alteration remains unclear.

Genome-Nilou Lab
Classification: Uncertain significance for Microcephaly, normal intelligence and immunodeficiency. Last evaluated: 2021-11-07. Review status: criteria provided, single submitter. Criteria: ACMG Guidelines, 2015. Collection method: clinical testing. Allele origin: germline. Affected: no.

Blueprint Genetics
Classification: Uncertain significance. Last evaluated: 2019-04-24. Review status: criteria provided, single submitter. Criteria: ACMG Guidelines, 2015. Collection method: clinical testing. Allele origin: germline.

Mendelics
Classification: Uncertain significance for Microcephaly, normal intelligence and immunodeficiency. Last evaluated: 2018-07-02. Review status: criteria provided, single submitter. Criteria: Mendelics Assertion Criteria 2017. Collection method: clinical testing. Allele origin: unknown.

Illumina Laboratory Services, Illumina
Classification: Uncertain significance for Microcephaly, normal intelligence and immunodeficiency. Last evaluated: 2018-01-13. Review status: criteria provided, single submitter. Criteria: ICSL Variant Classification Criteria 13 December 2019. Collection method: clinical testing. Allele origin: germline.

Literature cited by the submitters: PubMed 29470806 (cited by 3 submitters); PubMed 35264596 (cited by Labcorp Genetics (formerly Invitae), Labcorp and Women's Health and Genetics/Laboratory Corporation of America, LabCorp).

NM_002485.5(NBN):c.2060A>C (p.Lys687Thr)

Gene: NBN (nibrin; minus strand). Cytogenetic location: 8q21.3.
Variant type: single nucleotide variant.
Coding change: c.2060A>C on transcript NM_002485.5 (MANE Select); coding-DNA position 2060, A replaced by C.
Protein change: p.Lys687Thr; replaces lysine 687 with threonine.
Molecular consequence: missense variant.
Genome position (GRCh38, 1-based): chr8:89,946,150, T>G on the plus strand (A>C on the coding strand, the complement: NBN is on the minus strand). VCF-style: chr8-89946150-T-G. GRCh37 (hg19) VCF-style: chr8-90958378-T-G.
Other names: c.1814A>C, p.Lys605Thr (NM_001024688.3); short protein forms K687T, K605T.
Identifiers: ClinVar variation 490052 (VCV000490052.25), dbSNP rs186371605, ClinGen allele CA4802625.